The following is an entry in ClinVar:

NM_000141.5(FGFR2):c.748+182G>A

Gene: FGFR2 (fibroblast growth factor receptor 2; minus strand). Cytogenetic location: 10q26.13.
Variant type: single nucleotide variant.
Coding change: c.748+182G>A on transcript NM_000141.5 (MANE Select); 182 bases into the intron after coding-DNA position 748, G replaced by A.
Molecular consequence: intron variant.
Genome position (GRCh38, 1-based): chr10:121,538,410, C>T on the plus strand (G>A on the coding strand, the complement: FGFR2 is on the minus strand). VCF-style: chr10-121538410-C-T. GRCh37 (hg19) VCF-style: chr10-123297924-C-T.
Other names: c.748+182G>A (NM_001144914.1, NM_001144917.2, NM_001320658.2 and 3 more transcripts); c.403+182G>A (NM_001144918.2, NM_001441091.1, NM_001441090.1 and 1 more transcripts); c.481+182G>A (NM_001441089.1, NM_023029.3, NM_001441088.1 and 2 more transcripts).
Identifiers: ClinVar variation 2640893 (VCV002640893.24), dbSNP rs112819168, ClinGen allele CA5721033.

ClinVar aggregate classification (germline): Likely benign (1 of 4 stars; one submission).

Allele frequency attached by ClinVar (database versions not stated): TOPMed 0.00082; gnomAD 0.00087; ExAC 0.00116; ESP Exome Variant Server 0.00157.
gnomAD v4.1: 1,051 of 962,488 alleles (0.11%); highest among the groups gnomAD compares: Non-Finnish European, 0.16%; 1 homozygote.

Submission:

CeGaT Center for Human Genetics Tuebingen
Classification: Likely benign. Last evaluated: 2026-09-01. Review status: criteria provided, single submitter. Criteria: CeGaT Center For Human Genetics Tuebingen Variant Classification Criteria Version 2. Collection method: clinical testing. Allele origin: germline. Affected: yes. Observed: 6 variant alleles.
Comment: FGFR2: BS1